The following is an entry in ClinVar:

ClinVar aggregate classification (germline): Pathogenic (1 of 4 stars; one submission).

Submission:

Labcorp Genetics (formerly Invitae), Labcorp
Classification: Pathogenic. Last evaluated: 2024-10-08. Review status: criteria provided, single submitter. Criteria: Invitae Variant Classification Sherloc (09022015). Collection method: clinical testing. Allele origin: germline.
Comment: This sequence change replaces glycine, which is neutral and non-polar, with valine, which is neutral and non-polar, at codon 775 of the OCA2 protein (p.Gly775Val). This variant is not present in population databases (gnomAD no frequency). This missense change has been observed in individual(s) with ocular albinism (internal data). Invitae Evidence Modeling of protein sequence and biophysical properties (such as structural, functional, and spatial information, amino acid conservation, physicochemical variation, residue mobility, and thermodynamic stability) indicates that this missense variant is expected to disrupt OCA2 protein function with a positive predictive value of 80%. This variant disrupts the p.Gly775 amino acid residue in OCA2. Other variant(s) that disrupt this residue have been determined to be pathogenic (PMID: 17385796, 18683130, 26165494). This suggests that this residue is clinically significant, and that variants that disrupt this residue are likely to be disease-causing. For these reasons, this variant has been classified as Pathogenic.

Literature cited by the submitters: PubMed 17385796; PubMed 18683130; PubMed 26165494.

NM_000275.3(OCA2):c.2324G>T (p.Gly775Val)

Gene: OCA2 (OCA2 melanosomal transmembrane protein; minus strand). Cytogenetic location: 15q13.1.
Variant type: single nucleotide variant.
Coding change: c.2324G>T on transcript NM_000275.3 (MANE Select); coding-DNA position 2324, G replaced by T.
Protein change: p.Gly775Val; replaces glycine 775 with valine.
Molecular consequence: missense variant.
Genome position (GRCh38, 1-based): chr15:27,851,396, C>A on the plus strand (G>T on the coding strand, the complement: OCA2 is on the minus strand). VCF-style: chr15-27851396-C-A. GRCh37 (hg19) VCF-style: chr15-28096542-C-A.
Other names: c.2252G>T, p.Gly751Val (NM_001300984.2); short protein forms G775V, G751V.
Identifiers: ClinVar variation 3648739 (VCV003648739.2).